The following is an entry in ClinVar:

NM_006231.4(POLE):c.6718G>C (p.Gly2240Arg)

Gene: POLE (DNA polymerase epsilon, catalytic subunit; minus strand). Cytogenetic location: 12q24.33.
Variant type: single nucleotide variant.
Coding change: c.6718G>C on transcript NM_006231.4 (MANE Select); coding-DNA position 6718, G replaced by C.
Protein change: p.Gly2240Arg; replaces glycine 2240 with arginine.
Molecular consequence: missense variant.
Genome position (GRCh38, 1-based): chr12:132,624,934, C>G on the plus strand (G>C on the coding strand, the complement: POLE is on the minus strand). VCF-style: chr12-132624934-C-G. GRCh37 (hg19) VCF-style: chr12-133201520-C-G.
Other names: short protein forms G2240R.
Identifiers: ClinVar variation 998489 (VCV000998489.8), dbSNP rs746384198, ClinGen allele CA387366077.
Genomic context (GRCh38, chr12:132,624,934, plus strand): 5'-GCTGAGCCGAGGCAGATGAGGGAGAGCCCACCTGGGTGTGGATGGTGAGGGCGAAGTCTC[C>G]CGCGCAGCTGCAGTACACAGGCATGCTGGTCTCCTTCACCCCGCGGCACTTCAGGCAGAC-3'
Protein context (NP_006222.2, residues 2230-2250): TSMPVYCSCA[Gly2240Arg]DFALTIHTQV

ClinVar aggregate classification (germline): Uncertain significance (1 of 4 stars; one submission).

Submission:

Labcorp Genetics (formerly Invitae), Labcorp
Classification: Uncertain significance. Last evaluated: 2024-02-22. Review status: criteria provided, single submitter. Criteria: Invitae Variant Classification Sherloc (09022015). Collection method: clinical testing. Allele origin: germline.
Comment: This sequence change replaces glycine, which is neutral and non-polar, with arginine, which is basic and polar, at codon 2240 of the POLE protein (p.Gly2240Arg). This variant is not present in population databases (gnomAD no frequency). This variant has not been reported in the literature in individuals affected with POLE-related conditions. ClinVar contains an entry for this variant (Variation ID: 998489). Advanced modeling of protein sequence and biophysical properties (such as structural, functional, and spatial information, amino acid conservation, physicochemical variation, residue mobility, and thermodynamic stability) performed at Invitae indicates that this missense variant is expected to disrupt POLE protein function with a positive predictive value of 80%. In summary, the available evidence is currently insufficient to determine the role of this variant in disease. Therefore, it has been classified as a Variant of Uncertain Significance.